The following is an entry in ClinVar:

NM_053025.4(MYLK):c.3390C>G (p.Ile1130Met)

Gene: MYLK (myosin light chain kinase; minus strand). Cytogenetic location: 3q21.1.
Variant type: single nucleotide variant.
Coding change: c.3390C>G on transcript NM_053025.4 (MANE Select); coding-DNA position 3390, C replaced by G.
Protein change: p.Ile1130Met; replaces isoleucine 1130 with methionine.
Molecular consequence: missense variant.
Genome position (GRCh38, 1-based): chr3:123,700,078, G>C on the plus strand (C>G on the coding strand, the complement: MYLK is on the minus strand). VCF-style: chr3-123700078-G-C. GRCh37 (hg19) VCF-style: chr3-123418925-G-C.
Other names: c.2862C>G, p.Ile954Met (NM_001321309.2); c.3183C>G, p.Ile1061Met (NM_053026.4, NM_053028.4); c.3390C>G, p.Ile1130Met (NM_053027.4); short protein forms I1130M, I1061M, I954M.
Identifiers: ClinVar variation 3297588 (VCV003297588.2).

ClinVar aggregate classification (germline): Uncertain significance. Review status: criteria provided, multiple submitters, no conflicts (2 of 4 stars). 2 submissions from 2 submitters: Uncertain significance (2). Last evaluated 2025-01-30.

Conditions:
Familial thoracic aortic aneurysm and aortic dissection (TAAD). Also called: Thoracic aortic aneurysms and dissections. Identifiers: Orphanet 91387, MedGen C4707243, MONDO:0019625.

gnomAD v4.1: 2 of 1,613,934 alleles (0.00012%); highest among the groups gnomAD compares: Non-Finnish European, 0.00017%; no homozygotes.

Submissions (2):

GeneDx
Classification: Uncertain significance. Last evaluated: 2025-01-30. Review status: criteria provided, single submitter. Criteria: GeneDx Variant Classification Process June 2021. Collection method: clinical testing. Allele origin: germline. Affected: yes.
Comment: Not observed at significant frequency in large population cohorts (gnomAD); In silico analysis indicates that this missense variant does not alter protein structure/function; Has not been previously published as pathogenic or benign to our knowledge

Ambry Genetics
Classification: Uncertain significance for Familial thoracic aortic aneurysm and aortic dissection. Last evaluated: 2024-04-27. Review status: criteria provided, single submitter. Criteria: Ambry Variant Classification Scheme 2023. Collection method: clinical testing. Allele origin: germline.
Comment: The p.I1130M variant (also known as c.3390C>G), located in coding exon 15 of the MYLK gene, results from a C to G substitution at nucleotide position 3390. The isoleucine at codon 1130 is replaced by methionine, an amino acid with highly similar properties. This amino acid position is conserved. In addition, this alteration is predicted to be tolerated by in silico analysis. Based on the available evidence, the clinical significance of this variant remains unclear.